The following is an entry in ClinVar:

ClinVar aggregate classification (germline): Uncertain significance (1 of 4 stars; one submission).

Allele frequency attached by ClinVar (database versions not stated): gnomAD below 0.00001 and 0.00001; gnomAD exomes below 0.00001 and 0.00001; TOPMed below 0.00001.
gnomAD v4.1: 9 of 1,611,868 alleles (0.00056%); highest among the groups gnomAD compares: South Asian, 0.0044%; no homozygotes.

Submission:

Labcorp Genetics (formerly Invitae), Labcorp
Classification: Uncertain significance. Last evaluated: 2020-03-16. Review status: criteria provided, single submitter. Criteria: Invitae Variant Classification Sherloc (09022015). Collection method: clinical testing. Allele origin: germline.
Comment: In summary, the available evidence is currently insufficient to determine the role of this variant in disease. Therefore, it has been classified as a Variant of Uncertain Significance. Algorithms developed to predict the effect of missense changes on protein structure and function are either unavailable or do not agree on the potential impact of this missense change (SIFT: "Deleterious"; PolyPhen-2: "Benign"; Align-GVGD: "Class C0"). This variant has not been reported in the literature in individuals with PCARE-related conditions. This variant is not present in population databases (ExAC no frequency). This sequence change replaces proline with glutamine at codon 1278 of the PCARE protein (p.Pro1278Gln). The proline residue is moderately conserved and there is a moderate physicochemical difference between proline and glutamine.

NM_001029883.3(PCARE):c.3833C>A (p.Pro1278Gln)

Gene: PCARE (photoreceptor cilium actin regulator; minus strand). Cytogenetic location: 2p23.2.
Variant type: single nucleotide variant.
Coding change: c.3833C>A on transcript NM_001029883.3 (MANE Select); coding-DNA position 3833, C replaced by A.
Protein change: p.Pro1278Gln; replaces proline 1278 with glutamine.
Molecular consequence: missense variant.
Genome position (GRCh38, 1-based): chr2:29,064,903, G>T on the plus strand (C>A on the coding strand, the complement: PCARE is on the minus strand). VCF-style: chr2-29064903-G-T. GRCh37 (hg19) VCF-style: chr2-29287769-G-T.
Other names: short protein forms P1278Q.
Identifiers: ClinVar variation 1026164 (VCV001026164.6), dbSNP rs1206230876, ClinGen allele CA346470157.
Genomic context (GRCh38, chr2:29,064,903, plus strand): 5'-GTGAGTGTGGCCCCCTCGTCAGCCTGTCAGGACACCTCCTCTTGCTGGGGCTGCGCCTCT[G>T]GCTGGGATTTGTCCTGGATGTGGCCGGTCCGAGGCTCCGGTTGCAGCCCGTGGCCCAGCA-3'
Protein context (NP_001025054.1, residues 1268-1288): RTGHIQDKSQ[Pro1278Gln]EAQPQQEEVS